The following is an entry in ClinVar:

ClinVar aggregate classification (germline): Pathogenic/Likely pathogenic. Review status: criteria provided, multiple submitters, no conflicts (2 of 4 stars). 4 submissions from 4 submitters: Pathogenic (3); Likely pathogenic (1). Last evaluated 2026-02-06.

Conditions:
Hereditary cancer-predisposing syndrome. Also called: Neoplastic Syndromes, Hereditary; Hereditary neoplastic syndrome; Tumor predisposition; Hereditary Cancer Syndrome. Identifiers: Orphanet 140162, MedGen C0027672, MeSH D009386, MONDO:0015356.
Familial cancer of breast. Also called: Hereditary breast cancer; BREAST CANCER, FAMILIAL; hereditary breast carcinoma. Identifiers: Orphanet 227535, MedGen C0346153, MONDO:0016419, OMIM 114480. Disease mechanism: loss of function.

Submissions (4):

Ambry Genetics
Classification: Pathogenic for Hereditary cancer-predisposing syndrome. Last evaluated: 2026-02-06. Review status: criteria provided, single submitter. Criteria: Ambry Variant Classification Scheme 2023. Collection method: clinical testing. Allele origin: germline.
Comment: The c.76delA pathogenic mutation, located in coding exon 2 of the PALB2 gene, results from a deletion of one nucleotide at nucleotide position 76, causing a translational frameshift with a predicted alternate stop codon (p.R26Gfs*7). This variant is considered to be rare based on population cohorts in the Genome Aggregation Database (gnomAD). This alteration is expected to result in loss of function by premature protein truncation or nonsense-mediated mRNA decay. As such, this alteration is interpreted as a disease-causing mutation.

Myriad Genetics, Inc.
Classification: Pathogenic for Familial cancer of breast. Last evaluated: 2023-09-05. Review status: criteria provided, single submitter. Criteria: Myriad Autosomal Dominant, Autosomal Recessive and X-Linked Classification Criteria (2023). Collection method: clinical testing. Allele origin: unknown.
Comment: This variant is considered pathogenic. This variant creates a frameshift predicted to result in premature protein truncation.

Labcorp Genetics (formerly Invitae), Labcorp
Classification: Pathogenic for Familial cancer of breast. Last evaluated: 2023-03-18. Review status: criteria provided, single submitter. Criteria: Invitae Variant Classification Sherloc (09022015). Collection method: clinical testing. Allele origin: germline.
Comment: For these reasons, this variant has been classified as Pathogenic. ClinVar contains an entry for this variant (Variation ID: 658192). This variant has not been reported in the literature in individuals affected with PALB2-related conditions. This variant is not present in population databases (gnomAD no frequency). This sequence change creates a premature translational stop signal (p.Arg26Glyfs*7) in the PALB2 gene. It is expected to result in an absent or disrupted protein product. Loss-of-function variants in PALB2 are known to be pathogenic (PMID: 17200668, 17200671, 17200672, 24136930, 25099575).

MGZ Medical Genetics Center
Classification: Likely pathogenic for Familial cancer of breast. Last evaluated: 2021-07-01. Review status: criteria provided, single submitter. Criteria: ACMG Guidelines, 2015. Collection method: clinical testing. Allele origin: germline. Affected: yes. Observed: 1 variant allele.
Comment: ACMG criteria applied: PVS1, PM2_SUP

Literature cited by the submitters: PubMed 17200668 (cited by Labcorp Genetics (formerly Invitae), Labcorp); PubMed 17200671 (cited by Labcorp Genetics (formerly Invitae), Labcorp); PubMed 17200672 (cited by Labcorp Genetics (formerly Invitae), Labcorp); PubMed 24136930 (cited by Labcorp Genetics (formerly Invitae), Labcorp); PubMed 25099575 (cited by Labcorp Genetics (formerly Invitae), Labcorp).

NM_024675.4(PALB2):c.76del (p.Arg26fs)

Gene: PALB2 (partner and localizer of BRCA2; minus strand). Cytogenetic location: 16p12.2.
Variant type: Deletion.
Coding change: c.76del on transcript NM_024675.4 (MANE Select); coding-DNA position 76, one base deleted (A; older notation c.76delA).
Protein change: p.Arg26fs; shifts the reading frame from arginine 26.
Molecular consequence: frameshift variant.
Genome position (GRCh38, 1-based): chr16:23,638,102, T deleted on the plus strand (A on the coding strand, the reverse complement: PALB2 is on the minus strand); the first of 4 consecutive T bases (chr16:23,638,102-23,638,105); deleting any one gives the same sequence. VCF-style (leftmost placement, unchanged base first): chr16-23638101-CT-C. GRCh37 (hg19) VCF-style: chr16-23649422-CT-C.
Other names: c.76delA (NM_024675.3); short protein forms R26fs.
Identifiers: ClinVar variation 658192 (VCV000658192.11), dbSNP rs1597101885, ClinGen allele CA915949145.